The following is an entry in ClinVar:

ClinVar aggregate classification (germline): Uncertain significance (1 of 4 stars; one submission).

Submission:

Labcorp Genetics (formerly Invitae), Labcorp
Classification: Uncertain significance. Last evaluated: 2024-04-10. Review status: criteria provided, single submitter. Criteria: Invitae Variant Classification Sherloc (09022015). Collection method: clinical testing. Allele origin: germline.
Comment: This sequence change replaces proline, which is neutral and non-polar, with leucine, which is neutral and non-polar, at codon 83 of the MPLKIP protein (p.Pro83Leu). This variant is not present in population databases (gnomAD no frequency). This variant has not been reported in the literature in individuals affected with MPLKIP-related conditions. ClinVar contains an entry for this variant (Variation ID: 1993156). An algorithm developed to predict the effect of missense changes on protein structure and function (PolyPhen-2) suggests that this variant is likely to be disruptive. In summary, the available evidence is currently insufficient to determine the role of this variant in disease. Therefore, it has been classified as a Variant of Uncertain Significance.

NM_138701.4(MPLKIP):c.248C>T (p.Pro83Leu)

Gene: MPLKIP (M-phase specific PLK1 interacting protein; minus strand). Cytogenetic location: 7p14.1.
Variant type: single nucleotide variant.
Coding change: c.248C>T on transcript NM_138701.4 (MANE Select); coding-DNA position 248, C replaced by T.
Protein change: p.Pro83Leu; replaces proline 83 with leucine.
Molecular consequence: missense variant.
Genome position (GRCh38, 1-based): chr7:40,134,320, G>A on the plus strand (C>T on the coding strand, the complement: MPLKIP is on the minus strand). VCF-style: chr7-40134320-G-A. GRCh37 (hg19) VCF-style: chr7-40173919-G-A.
Other names: short protein forms P83L.
Identifiers: ClinVar variation 1993156 (VCV001993156.3), dbSNP rs1190620051, ClinGen allele CA367308100.